The following is an entry in ClinVar:

NM_153607.3(CREBRF):c.714A>G (p.Ala238=)

Gene: CREBRF (CREB3 regulatory factor; plus strand). Cytogenetic location: 5q35.1.
Variant type: single nucleotide variant.
Coding change: c.714A>G on transcript NM_153607.3 (MANE Select); coding-DNA position 714, A replaced by G.
Protein change: p.Ala238=; no amino-acid change (alanine 238 retained).
Molecular consequence: synonymous variant.
Genome position (GRCh38, 1-based): chr5:173,090,893, A>G. VCF-style: chr5-173090893-A-G. GRCh37 (hg19) VCF-style: chr5-172517896-A-G.
Other names: c.714A>G, p.Ala238= (NM_001168393.2, NM_001168394.2).
Identifiers: ClinVar variation 3904917 (VCV003904917.10).

ClinVar aggregate classification (germline): Likely benign (1 of 4 stars; one submission).

gnomAD v4.1: 6,849 of 1,614,224 alleles (0.42%); highest among the groups gnomAD compares: Non-Finnish European, 0.51%; 26 homozygotes.

Submission:

CeGaT Center for Human Genetics Tuebingen
Classification: Likely benign. Last evaluated: 2025-05-01. Review status: criteria provided, single submitter. Criteria: CeGaT Center For Human Genetics Tuebingen Variant Classification Criteria Version 2. Collection method: clinical testing. Allele origin: germline. Affected: yes. Observed: 1 variant allele.
Comment: CREBRF: BP4, BP7, BS2